The following is an entry in ClinVar:

ClinVar aggregate classification (germline): Uncertain significance (1 of 4 stars; one submission).

Conditions:
Pityriasis rubra pilaris (PRP). Also called: Pityriasis rubra pilaris--familial type. Identifiers: Orphanet 2897, MedGen C0032027, MONDO:0100017, OMIM 173200, MONDO:0008251.
Psoriasis 2. Identifiers: MedGen C1864497, MONDO:0011269, OMIM 602723.

gnomAD v4.1: 9 of 1,586,670 alleles (0.00057%); highest among the groups gnomAD compares: African/African-American, 0.0013%; no homozygotes.

Submission:

Labcorp Genetics (formerly Invitae), Labcorp
Classification: Uncertain significance for Pityriasis rubra pilaris; Psoriasis 2. Last evaluated: 2024-08-02. Review status: criteria provided, single submitter. Criteria: Invitae Variant Classification Sherloc (09022015). Collection method: clinical testing. Allele origin: germline.
Comment: This sequence change replaces histidine, which is basic and polar, with tyrosine, which is neutral and polar, at codon 26 of the CARD14 protein (p.His26Tyr). This variant is not present in population databases (gnomAD no frequency). This variant has not been reported in the literature in individuals affected with CARD14-related conditions. Advanced modeling of protein sequence and biophysical properties (such as structural, functional, and spatial information, amino acid conservation, physicochemical variation, residue mobility, and thermodynamic stability) performed at Invitae indicates that this missense variant is expected to disrupt CARD14 protein function with a positive predictive value of 80%. In summary, the available evidence is currently insufficient to determine the role of this variant in disease. Therefore, it has been classified as a Variant of Uncertain Significance.

NM_001366385.1(CARD14):c.76C>T (p.His26Tyr)

Gene: CARD14 (caspase recruitment domain family member 14; plus strand). Cytogenetic location: 17q25.3.
Variant type: single nucleotide variant.
Coding change: c.76C>T on transcript NM_001366385.1 (MANE Select); coding-DNA position 76, C replaced by T.
Protein change: p.His26Tyr; replaces histidine 26 with tyrosine.
Molecular consequence: missense variant. On other transcripts: non-coding transcript variant (1).
Genome position (GRCh38, 1-based): chr17:80,181,514, C>T. VCF-style: chr17-80181514-C-T. GRCh37 (hg19) VCF-style: chr17-78155313-C-T.
Other names: c.76C>T, p.His26Tyr (NM_001257970.1, NM_024110.4); short protein forms H26Y.
Identifiers: ClinVar variation 3752350 (VCV003752350.2).
Genomic context (GRCh38, chr17:80,181,514, plus strand): 5'-CGCAGGGACTCCGCACTCACGGCACTGGACGAGGAGACACTGTGGGAGATGATGGAGAGC[C>T]ACCGCCACAGGATCGTACGCTGCATCTGCCCCAGCCGCCTCACCCCCTACCTGCGCCAGG-3'
Protein context (NP_001353314.1, residues 16-36): EETLWEMMES[His26Tyr]RHRIVRCICP